The following is an entry in ClinVar:

NM_006509.4(RELB):c.83C>T (p.Ala28Val)

Genes: RELB (RELB proto-oncogene, NF-kB subunit; plus strand), LOC130064661 (ATAC-STARR-seq lymphoblastoid silent region 10746; plus strand). Cytogenetic location: 19q13.32.
Variant type: single nucleotide variant.
Coding change: c.83C>T on transcript NM_006509.4 (MANE Select); coding-DNA position 83, C replaced by T.
Protein change: p.Ala28Val; replaces alanine 28 with valine.
Molecular consequence: missense variant.
Genome position (GRCh38, 1-based): chr19:45,001,662, C>T. VCF-style: chr19-45001662-C-T. GRCh37 (hg19) VCF-style: chr19-45504920-C-T.
Other names: c.83C>T, p.Ala28Val (NM_001411087.1); short protein forms A28V.
Identifiers: ClinVar variation 2767651 (VCV002767651.3), dbSNP rs2513627633, ClinGen allele CA406319752.

ClinVar aggregate classification (germline): Uncertain significance (1 of 4 stars; one submission).

Submission:

Labcorp Genetics (formerly Invitae), Labcorp
Classification: Uncertain significance. Last evaluated: 2023-10-11. Review status: criteria provided, single submitter. Criteria: Invitae Variant Classification Sherloc (09022015). Collection method: clinical testing. Allele origin: germline.
Comment: This sequence change replaces alanine, which is neutral and non-polar, with valine, which is neutral and non-polar, at codon 28 of the RELB protein (p.Ala28Val). This variant is not present in population databases (gnomAD no frequency). This variant has not been reported in the literature in individuals affected with RELB-related conditions. An algorithm developed to predict the effect of missense changes on protein structure and function (PolyPhen-2) suggests that this variant is likely to be tolerated. In summary, the available evidence is currently insufficient to determine the role of this variant in disease. Therefore, it has been classified as a Variant of Uncertain Significance.